The following is an entry in ClinVar:

ClinVar aggregate classification (germline): Uncertain significance (1 of 4 stars; one submission).

Submission:

CeGaT Center for Human Genetics Tuebingen
Classification: Uncertain significance. Last evaluated: 2024-09-01. Review status: criteria provided, single submitter. Criteria: CeGaT Center For Human Genetics Tuebingen Variant Classification Criteria Version 2. Collection method: clinical testing. Allele origin: germline. Affected: yes. Observed: 1 variant allele.
Comment: PNPT1: PM2, BP4

NM_033109.5(PNPT1):c.874A>T (p.Met292Leu)

Gene: PNPT1 (polyribonucleotide nucleotidyltransferase 1; minus strand). Cytogenetic location: 2p16.1.
Variant type: single nucleotide variant.
Coding change: c.874A>T on transcript NM_033109.5 (MANE Select); coding-DNA position 874, A replaced by T.
Protein change: p.Met292Leu; replaces methionine 292 with leucine.
Molecular consequence: missense variant.
Genome position (GRCh38, 1-based): chr2:55,672,039, T>A on the plus strand (A>T on the coding strand, the complement: PNPT1 is on the minus strand). VCF-style: chr2-55672039-T-A. GRCh37 (hg19) VCF-style: chr2-55899174-T-A.
Other names: short protein forms M292L.
Identifiers: ClinVar variation 3389628 (VCV003389628.14).